The following is an entry in ClinVar:

ClinVar aggregate classification (germline): Uncertain significance (1 of 4 stars; one submission).

Conditions:
Familial hemophagocytic lymphohistiocytosis 4 (FHL4). Also called: STX11-Related Familial Hemophagocytic Lymphohistiocytosis (STX11-fHLH). Identifiers: Orphanet 540, MedGen C1863728, MONDO:0011336, OMIM 603552.

Allele frequency attached by ClinVar (database versions not stated): gnomAD 0.00001; gnomAD exomes 0.00006 and 0.00009; ExAC 0.00008.
gnomAD v4.1: 86 of 1,610,446 alleles (0.0053%); highest among the groups gnomAD compares: South Asian, 0.092%; 3 homozygotes.

Submission:

Labcorp Genetics (formerly Invitae), Labcorp
Classification: Uncertain significance for Familial hemophagocytic lymphohistiocytosis 4. Last evaluated: 2022-08-10. Review status: criteria provided, single submitter. Criteria: Invitae Variant Classification Sherloc (09022015). Collection method: clinical testing. Allele origin: germline.
Comment: This sequence change replaces valine, which is neutral and non-polar, with glutamic acid, which is acidic and polar, at codon 249 of the STX11 protein (p.Val249Glu). This variant is present in population databases (rs764649306, gnomAD 0.07%). This variant has not been reported in the literature in individuals affected with STX11-related conditions. ClinVar contains an entry for this variant (Variation ID: 1525463). Algorithms developed to predict the effect of missense changes on protein structure and function are either unavailable or do not agree on the potential impact of this missense change (SIFT: "Deleterious"; PolyPhen-2: "Probably Damaging"; Align-GVGD: "Class C15"). In summary, the available evidence is currently insufficient to determine the role of this variant in disease. Therefore, it has been classified as a Variant of Uncertain Significance.

NM_003764.4(STX11):c.746T>A (p.Val249Glu)

Gene: STX11 (syntaxin 11; plus strand). Cytogenetic location: 6q24.2.
Variant type: single nucleotide variant.
Coding change: c.746T>A on transcript NM_003764.4 (MANE Select); coding-DNA position 746, T replaced by A.
Protein change: p.Val249Glu; replaces valine 249 with glutamic acid.
Molecular consequence: missense variant.
Genome position (GRCh38, 1-based): chr6:144,187,373, T>A. VCF-style: chr6-144187373-T-A. GRCh37 (hg19) VCF-style: chr6-144508510-T-A.
Other names: short protein forms V249E.
Identifiers: ClinVar variation 1525463 (VCV001525463.3), dbSNP rs764649306, ClinGen allele CA4031780.
Genomic context (GRCh38, chr6:144,187,373, plus strand): 5'-TGCAGATGGCGGTGCTGGTGGAGAAGCAGGCCGACACCCTGAACGTCATCGAGCTCAACG[T>A]ACAAAAGACGGTCGACTACACCGGCCAGGCCAAGGCGCAGGTGCGGAAGGCCGTGCAGTA-3'
Protein context (NP_003755.2, residues 239-259): ADTLNVIELN[Val249Glu]QKTVDYTGQA